The following is an entry in ClinVar:

ClinVar aggregate classification (germline): Conflicting classifications of pathogenicity. Review status: criteria provided, conflicting classifications (1 of 4 stars). 3 submissions from 3 submitters: Uncertain significance (1); Benign (1); Likely benign (1). Last evaluated 2025-06-11.

Conditions:
Hereditary nonpolyposis colorectal neoplasms. Identifiers: MedGen C0009405, MeSH D003123.
Hereditary cancer-predisposing syndrome. Also called: Hereditary Cancer Syndrome; Neoplastic Syndromes, Hereditary; Tumor predisposition; Hereditary neoplastic syndrome. Identifiers: Orphanet 140162, MedGen C0027672, MeSH D009386, MONDO:0015356.
Lynch syndrome 4 (LYNCH4). Also called: Colorectal cancer, hereditary nonpolyposis, type 4; Hereditary non-polyposis colorectal cancer, type 4. Identifiers: Orphanet 144, MedGen C1838333, MONDO:0013699, OMIM 614337. Disease mechanism: loss of function.

Submissions (3):

Ambry Genetics
Classification: Uncertain significance for Hereditary cancer-predisposing syndrome. Last evaluated: 2025-06-11. Review status: criteria provided, single submitter. Criteria: Ambry Variant Classification Scheme 2023. Collection method: clinical testing. Allele origin: germline.
Comment: The c.270T>C variant (also known as p.S90S), located in coding exon 4 of the PMS2 gene, results from a T to C substitution at nucleotide position 270. This nucleotide substitution does not change the amino acid at codon 90. This nucleotide position is not well conserved in available vertebrate species. In silico splice site analysis for this alteration is inconclusive; however, direct evidence is insufficient at this time (Ambry internal data). Based on the available evidence, the clinical significance of this variant remains unclear.

Myriad Genetics, Inc.
Classification: Benign for Lynch syndrome 4. Last evaluated: 2025-01-24. Review status: criteria provided, single submitter. Criteria: Myriad Autosomal Dominant, Autosomal Recessive and X-Linked Classification Criteria (2023). Collection method: clinical testing. Allele origin: unknown.
Comment: This variant is considered benign. This variant is a silent/synonymous amino acid change and it is not expected to impact splicing.

Labcorp Genetics (formerly Invitae), Labcorp
Classification: Likely benign for Hereditary nonpolyposis colorectal neoplasms. Last evaluated: 2024-08-07. Review status: criteria provided, single submitter. Criteria: Invitae Variant Classification Sherloc (09022015). Collection method: clinical testing. Allele origin: germline.

NM_000535.7(PMS2):c.270T>C (p.Ser90=)

Gene: PMS2 (PMS1 homolog 2, mismatch repair system component; minus strand). Cytogenetic location: 7p22.1.
Variant type: single nucleotide variant.
Coding change: c.270T>C on transcript NM_000535.7 (MANE Select); coding-DNA position 270, T replaced by C.
Protein change: p.Ser90=; no amino-acid change (serine 90 retained).
Molecular consequence: synonymous variant. On other transcripts: 5 prime UTR variant (35), non-coding transcript variant (1), intron variant (11).
Genome position (GRCh38, 1-based): chr7:6,003,773, A>G on the plus strand (T>C on the coding strand, the complement: PMS2 is on the minus strand). VCF-style: chr7-6003773-A-G. GRCh37 (hg19) VCF-style: chr7-6043404-A-G.
Other names: c.-136T>C (NM_001018040.1, NM_001322003.2, NM_001322004.2 and 14 more transcripts); c.270T>C, p.Ser90= (NM_001322006.2, NM_001322014.2, NM_001406869.1 and 8 more transcripts); c.-615T>C (NM_001322011.2, NM_001322012.2); c.-215T>C (NM_001322015.2, NM_001406875.1, NM_001406877.1 and 3 more transcripts); c.456T>C, p.Ser152= (NM_001406866.1); c.294T>C, p.Ser98= (NM_001406868.1); c.-162T>C (NM_001406880.1); c.-83T>C (NM_001406888.1, NM_001406889.1, NM_001406892.1 and 6 more transcripts); and 5 more.
Identifiers: ClinVar variation 2796076 (VCV002796076.5), dbSNP rs876660414, ClinGen allele CA453647997.